The following is an entry in ClinVar:

NC_000023.11:g.(?_31875178)_(32217073_?)dup

Gene: DMD (dystrophin; minus strand). Cytogenetic location: Xp21.1.
Variant type: Duplication.
Identifiers: ClinVar variation 833073 (VCV000833073.8).

ClinVar aggregate classification (germline): Pathogenic (1 of 4 stars; one submission).

Conditions:
Duchenne muscular dystrophy (DMD). Also called: Duchenne Muscular Dystrophy (DMD); MUSCULAR DYSTROPHY, PSEUDOHYPERTROPHIC PROGRESSIVE, DUCHENNE TYPE. Identifiers: Orphanet 98896, MedGen C0013264, MONDO:0010679, OMIM 310200.

Submission:

Labcorp Genetics (formerly Invitae), Labcorp
Classification: Pathogenic for Duchenne muscular dystrophy. Last evaluated: 2019-10-02. Review status: criteria provided, single submitter. Criteria: Invitae Variant Classification Sherloc (09022015). Collection method: clinical testing. Allele origin: germline.
Comment: Sub-genic duplications are generally in tandem (PMID: 25640679), and result in an absent or disrupted protein. A similar duplication of exons 44-48 has been reported in several individuals affected with Duchenne muscular dystrophy (PMID: 25972034, 17253928). This variant is a gross duplication of the genomic region encompassing exons 44-48 of the DMD gene. While the exact position of the duplicated exons cannot be determined from this data, the duplicated copy of this region is likely in tandem and may result in an absent or disrupted protein product. Loss-of-function variants in DMD are known to be pathogenic (PMID: 16770791, 25007885). For these reasons, this variant has been classified as Pathogenic.

Literature cited by the submitters: PubMed 25640679; PubMed 25972034; PubMed 17253928; PubMed 16770791; PubMed 25007885.